The following is an entry in ClinVar:

NM_000548.5(TSC2):c.4482C>T (p.Gly1494=)

Gene: TSC2 (TSC complex subunit 2; plus strand). Cytogenetic location: 16p13.3.
Variant type: single nucleotide variant.
Coding change: c.4482C>T on transcript NM_000548.5 (MANE Select); coding-DNA position 4482, C replaced by T.
Protein change: p.Gly1494=; no amino-acid change (glycine 1494 retained).
Molecular consequence: synonymous variant. On other transcripts: non-coding transcript variant (5).
Genome position (GRCh38, 1-based): chr16:2,084,704, C>T. VCF-style: chr16-2084704-C-T. GRCh37 (hg19) VCF-style: chr16-2134705-C-T.
Other names: c.4281C>T, p.Gly1427= (NM_001077183.3); c.4413C>T, p.Gly1471= (NM_001114382.3); c.4173C>T, p.Gly1391= (NM_001318827.2); c.4137C>T, p.Gly1379= (NM_001318829.2); c.3750C>T, p.Gly1250= (NM_001318831.2); c.4314C>T, p.Gly1438= (NM_001318832.2); c.4284C>T, p.Gly1428= (NM_001363528.2); c.4350C>T, p.Gly1450= (NM_001370404.1); and 26 more.
Identifiers: ClinVar variation 2170428 (VCV002170428.6), dbSNP rs1363090464, ClinGen allele CA493043382.

ClinVar aggregate classification (germline): Uncertain significance. Review status: criteria provided, multiple submitters, no conflicts (2 of 4 stars). 3 submissions from 3 submitters: Uncertain significance (3). Last evaluated 2025-11-13.

Conditions:
Hereditary cancer-predisposing syndrome. Also called: Hereditary Cancer Syndrome; Neoplastic Syndromes, Hereditary; Tumor predisposition; Hereditary neoplastic syndrome. Identifiers: Orphanet 140162, MedGen C0027672, MeSH D009386, MONDO:0015356.
Tuberous sclerosis 2 (TSC2). Identifiers: Orphanet 805, MedGen C1860707, MONDO:0013199, OMIM 613254.

Submissions (3):

Greenwood Genetic Center Diagnostic Laboratories, Greenwood Genetic Center
Classification: Uncertain significance. Last evaluated: 2025-11-13. Review status: criteria provided, single submitter. Criteria: ACMG Guidelines, 2015. Collection method: clinical testing. Allele origin: germline. Affected: yes.
Comment: PM2, PP3

Ambry Genetics
Classification: Uncertain significance for Hereditary cancer-predisposing syndrome. Last evaluated: 2025-03-13. Review status: criteria provided, single submitter. Criteria: Ambry Variant Classification Scheme 2023. Collection method: clinical testing. Allele origin: germline.
Comment: The c.4482C>T variant (also known as p.G1494G), located in coding exon 33 of the TSC2 gene, results from a C to T substitution at nucleotide position 4482. This nucleotide substitution does not change the at codon 1494. This nucleotide position is well conserved in available vertebrate species. In silico splice site analysis predicts that this alteration may weaken the native splice donor site and will result in the creation or strengthening of a novel splice donor site. RNA studies have demonstrated that this alteration results in a splice defect; the clinical impact of this abnormal splicing is unknown at this time (Ambry internal data). Based on the available evidence, the clinical significance of this variant remains unclear.

Labcorp Genetics (formerly Invitae), Labcorp
Classification: Uncertain significance for Tuberous sclerosis 2. Last evaluated: 2023-04-04. Review status: criteria provided, single submitter. Criteria: Invitae Variant Classification Sherloc (09022015). Collection method: clinical testing. Allele origin: germline.
Comment: In summary, the available evidence is currently insufficient to determine the role of this variant in disease. Therefore, it has been classified as a Variant of Uncertain Significance. Studies have shown that this variant results in activation of a cryptic splice site and introduces a premature termination codon (Invitae). The resulting mRNA is expected to undergo nonsense-mediated decay. ClinVar contains an entry for this variant (Variation ID: 2170428). This variant has not been reported in the literature in individuals affected with TSC2-related conditions. This variant is not present in population databases (gnomAD no frequency). This sequence change affects codon 1494 of the TSC2 mRNA. It is a 'silent' change, meaning that it does not change the encoded amino acid sequence of the TSC2 protein. RNA analysis indicates that this variant induces altered splicing and may result in an absent or disrupted protein product.